The following is an entry in ClinVar:

NM_032043.3(BRIP1):c.2194A>G (p.Lys732Glu)

Gene: BRIP1 (BRCA1 interacting DNA helicase 1; minus strand). Cytogenetic location: 17q23.2.
Variant type: single nucleotide variant.
Coding change: c.2194A>G on transcript NM_032043.3 (MANE Select); coding-DNA position 2194, A replaced by G.
Protein change: p.Lys732Glu; replaces lysine 732 with glutamic acid.
Molecular consequence: missense variant.
Genome position (GRCh38, 1-based): chr17:61,744,495, T>C on the plus strand (A>G on the coding strand, the complement: BRIP1 is on the minus strand). VCF-style: chr17-61744495-T-C. GRCh37 (hg19) VCF-style: chr17-59821856-T-C.
Other names: short protein forms K732E.
Identifiers: ClinVar variation 1787457 (VCV001787457.8), dbSNP rs2544837161, ClinGen allele CA400483031.

ClinVar aggregate classification (germline): Uncertain significance. Review status: criteria provided, multiple submitters, no conflicts (2 of 4 stars). 2 submissions from 2 submitters: Uncertain significance (2). Last evaluated 2025-11-13.

Conditions:
Fanconi anemia complementation group J. Also called: BRIP1-Related Fanconi Anemia. Identifiers: Orphanet 84, MedGen C1836860, MONDO:0012187, OMIM 609054.
Familial cancer of breast. Also called: BREAST CANCER, FAMILIAL; Hereditary breast cancer; hereditary breast carcinoma. Identifiers: Orphanet 227535, MedGen C0346153, MONDO:0016419, OMIM 114480. Disease mechanism: loss of function.
Hereditary cancer-predisposing syndrome. Also called: Tumor predisposition; Neoplastic Syndromes, Hereditary; Hereditary Cancer Syndrome; Hereditary neoplastic syndrome. Identifiers: Orphanet 140162, MedGen C0027672, MeSH D009386, MONDO:0015356.

Submissions (2):

Labcorp Genetics (formerly Invitae), Labcorp
Classification: Uncertain significance for Familial cancer of breast; Fanconi anemia complementation group J. Last evaluated: 2025-11-13. Review status: criteria provided, single submitter. Criteria: Invitae Variant Classification Sherloc (09022015). Collection method: clinical testing. Allele origin: germline.
Comment: This sequence change replaces lysine, which is basic and polar, with glutamic acid, which is acidic and polar, at codon 732 of the BRIP1 protein (p.Lys732Glu). This variant is not present in population databases (gnomAD no frequency). This variant has not been reported in the literature in individuals affected with BRIP1-related conditions. ClinVar contains an entry for this variant (Variation ID: 1787457). Invitae Evidence Modeling of protein sequence and biophysical properties (such as structural, functional, and spatial information, amino acid conservation, physicochemical variation, residue mobility, and thermodynamic stability) indicates that this missense variant is expected to disrupt BRIP1 protein function with a positive predictive value of 95%. In summary, the available evidence is currently insufficient to determine the role of this variant in disease. Therefore, it has been classified as a Variant of Uncertain Significance.

Ambry Genetics
Classification: Uncertain significance for Hereditary cancer-predisposing syndrome. Last evaluated: 2024-11-15. Review status: criteria provided, single submitter. Criteria: Ambry Variant Classification Scheme 2023. Collection method: clinical testing. Allele origin: germline.
Comment: The p.K732E variant (also known as c.2194A>G), located in coding exon 14 of the BRIP1 gene, results from an A to G substitution at nucleotide position 2194. The lysine at codon 732 is replaced by glutamic acid, an amino acid with similar properties. This amino acid position is highly conserved in available vertebrate species. In addition, the in silico prediction for this alteration is inconclusive. Since supporting evidence is limited at this time, the clinical significance of this alteration remains unclear.